The following is an entry in ClinVar:

NM_031263.4(HNRNPK):c.1204ATT[1] (p.Ile403del)

Gene: HNRNPK (heterogeneous nuclear ribonucleoprotein K; minus strand). Cytogenetic location: 9q21.32.
Variant type: Microsatellite.
Coding change: c.1204ATT[1] on transcript NM_031263.4 (MANE Select); one copy of the 3-base unit ATT starting at c.1204; the reference has two copies in a row; one copy, 3 bases deleted.
Protein change: p.Ile403del; deletes isoleucine 403.
Genome position (GRCh38, 1-based): chr9:83,970,314-83,970,316, AAT deleted on the plus strand (ATT on the coding strand, the reverse complement: HNRNPK is on the minus strand); deleting any 3 consecutive bases within chr9:83,970,314-83,970,320 gives the same sequence; the position shown is the placement nearest the transcript's 3' end. VCF-style (leftmost placement, unchanged base first): chr9-83970313-CAAT-C. GRCh37 (hg19) VCF-style: chr9-86585228-CAAT-C.
Other names: c.1132ATT[1], p.Ile379del (NM_001318186.2, NM_001318187.2); c.1204ATT[1], p.Ile403del (NM_001318188.2, NM_002140.5, NM_031262.4); c.1207_1209del (NM_002140.5); short protein forms I379del, I403del.
Identifiers: ClinVar variation 4538371 (VCV004538371.1).

ClinVar aggregate classification (germline): Likely pathogenic (1 of 4 stars; one submission).

Conditions:
Au-Kline syndrome. Also called: Neurodevelopmental disorder-craniofacial dysmorphism-cardiac defect-hip dysplasia syndrome due to a point mutation; Okamoto syndrome. Identifiers: Orphanet 2729, Orphanet 453499, Orphanet 453504, MedGen C4225274, MONDO:0014700, OMIM 616580.

Submission:

Greenwood Genetic Center Diagnostic Laboratories, Greenwood Genetic Center
Classification: Likely pathogenic for Au-Kline syndrome. Last evaluated: 2025-04-21. Review status: criteria provided, single submitter. Criteria: ACMG Guidelines, 2015. Collection method: clinical testing. Allele origin: germline. Affected: yes.
Comment: PS2, PM2, PM4